The following is an entry in ClinVar:

NM_001194998.2(CEP152):c.4250G>T (p.Cys1417Phe)

Gene: CEP152 (centrosomal protein 152; minus strand). Cytogenetic location: 15q21.1.
Variant type: single nucleotide variant.
Coding change: c.4250G>T on transcript NM_001194998.2 (MANE Select); coding-DNA position 4250, G replaced by T.
Protein change: p.Cys1417Phe; replaces cysteine 1417 with phenylalanine.
Molecular consequence: missense variant.
Genome position (GRCh38, 1-based): chr15:48,739,132, C>A on the plus strand (G>T on the coding strand, the complement: CEP152 is on the minus strand). VCF-style: chr15-48739132-C-A. GRCh37 (hg19) VCF-style: chr15-49031329-C-A.
Other names: c.4082G>T, p.Cys1361Phe (NM_014985.4); short protein forms C1361F, C1417F.
Identifiers: ClinVar variation 3266026 (VCV003266026.2).

ClinVar aggregate classification (germline): Uncertain significance. Review status: criteria provided, multiple submitters, no conflicts (2 of 4 stars). 2 submissions from 2 submitters: Uncertain significance (2). Last evaluated 2024-03-15.

Conditions:
Inborn genetic diseases. Identifiers: MedGen C0950123, MeSH D030342.

gnomAD v4.1: 5 of 1,614,092 alleles (0.00031%); highest among the groups gnomAD compares: East Asian, 0.011%; no homozygotes.

Submissions (2):

Ambry Genetics
Classification: Uncertain significance for Inborn genetic diseases. Last evaluated: 2024-03-15. Review status: criteria provided, single submitter. Criteria: Ambry Variant Classification Scheme 2023. Collection method: clinical testing. Allele origin: germline.

GeneDx
Classification: Uncertain significance. Last evaluated: 2023-10-24. Review status: criteria provided, single submitter. Criteria: GeneDx Variant Classification Process June 2021. Collection method: clinical testing. Allele origin: germline. Affected: yes.
Comment: In silico analysis supports that this missense variant does not alter protein structure/function; Has not been previously published as pathogenic or benign to our knowledge